The following is an entry in ClinVar:

ClinVar aggregate classification (germline): Uncertain significance (1 of 4 stars; one submission).

Submission:

Ambry Genetics
Classification: Uncertain significance. Last evaluated: 2024-03-22. Review status: criteria provided, single submitter. Criteria: Ambry Variant Classification Scheme 2023. Collection method: clinical testing. Allele origin: germline.
Comment: The p.H1558Q variant (also known as c.4674C>A), located in coding exon 4 of the ALPK2 gene, results from a C to A substitution at nucleotide position 4674. The histidine at codon 1558 is replaced by glutamine, an amino acid with highly similar properties. This amino acid position is conserved. In addition, this alteration is predicted to be tolerated by in silico analysis. Based on the available evidence, the clinical significance of this alteration remains unclear.

NM_052947.4(ALPK2):c.4674C>A (p.His1558Gln)

Genes: ALPK2 (alpha kinase 2; minus strand), LOC126862764 (BRD4-independent group 4 enhancer GRCh37_chr18:56202574-56203773; plus strand). Cytogenetic location: 18q21.31.
Variant type: single nucleotide variant.
Coding change: c.4674C>A on transcript NM_052947.4 (MANE Select); coding-DNA position 4674, C replaced by A.
Protein change: p.His1558Gln; replaces histidine 1558 with glutamine.
Molecular consequence: missense variant.
Genome position (GRCh38, 1-based): chr18:58,535,513, G>T on the plus strand (C>A on the coding strand, the complement: ALPK2 is on the minus strand). VCF-style: chr18-58535513-G-T. GRCh37 (hg19) VCF-style: chr18-56202745-G-T.
Other names: short protein forms H1558Q.
Identifiers: ClinVar variation 3289831 (VCV003289831.1).